The following is an entry in ClinVar:

NM_145199.3(LIPT1):c.316G>A (p.Val106Ile)

Genes: LIPT1 (lipoyltransferase 1; plus strand), MITD1 (microtubule interacting and trafficking domain containing 1; minus strand). Cytogenetic location: 2q11.2.
Variant type: single nucleotide variant.
Coding change: c.316G>A on transcript NM_145199.3 (MANE Select); coding-DNA position 316, G replaced by A.
Protein change: p.Val106Ile; replaces valine 106 with isoleucine.
Molecular consequence: missense variant. On other transcripts: non-coding transcript variant (2).
Genome position (GRCh38, 1-based): chr2:99,162,273, G>A. VCF-style: chr2-99162273-G-A. GRCh37 (hg19) VCF-style: chr2-99778736-G-A.
Other names: c.316G>A, p.Val106Ile (NM_001204830.2, NM_015929.4, NM_145197.3 and 1 more transcripts); c.316G>A (NM_001204830.1); short protein forms V106I.
Identifiers: ClinVar variation 1802992 (VCV001802992.2), dbSNP rs1368952585, ClinGen allele CA347851846.

ClinVar aggregate classification (germline): Uncertain significance. Review status: criteria provided, multiple submitters, no conflicts (2 of 4 stars). 2 submissions from 2 submitters: Uncertain significance (2).

Conditions:
Lipoyl transferase 1 deficiency. Also called: Lipoyltransferase 1 deficiency. Identifiers: Orphanet 401862, MedGen C4225379, MONDO:0014576, OMIM 616299.

Allele frequency attached by ClinVar (database versions not stated): gnomAD exomes below 0.00001.
gnomAD v4.1: 1 of 1,612,702 alleles (0.000062%); highest among the groups gnomAD compares: African/African-American, 0.0013%; no homozygotes.

Submissions (2):

Neuberg Centre For Genomic Medicine, NCGM
Classification: Uncertain significance for Lipoyl transferase 1 deficiency. Review status: criteria provided, single submitter. Criteria: ACMG Guidelines, 2015. Collection method: clinical testing. Allele origin: germline. Inheritance: Autosomal recessive inheritance. Affected: yes.
Comment: The missense variant c.316G>A (p.Val106Ile) in LIPT1 gene has not been reported previously as a pathogenic variant nor as a benign variant, to our knowledge. This variant has not been reported to the ClinVar database.The p.Val106Ile variant is novel (not in any individuals) in gnomAD Exomes and 1000 Genomes. The amino acid Val at position 106 is changed to a Ile changing protein sequence and it might alter its composition and physico-chemical properties. The variant is predicted to be damaging by both SIFT and PolyPhen2. The residue is conserved across species. The amino acid change p.Val106Ile in LIPT1 is predicted as conserved by GERP++ and PhyloP across 100 vertebrates. For these reasons, this variant has been classified as Uncertain Significance.

Pediatric Department, Xiangya Hospital, Central South University
Classification: Uncertain significance. Review status: criteria provided, single submitter. Criteria: ACMG Guidelines, 2015. Collection method: clinical testing. Allele origin: paternal. Affected: yes. Observed: 2 compound heterozygotes. Clinical features observed: Neurodevelopmental delay, Hypotonia, Muscle weakness.
Comment: This variant was observed in compound heterozygosity with variant (c.302G>A)